The following is an entry in ClinVar:

ClinVar aggregate classification (germline): Uncertain significance (1 of 4 stars; one submission).

Conditions:
Parkinsonism-dystonia, infantile. Identifiers: Orphanet 238455, MedGen C2751067, MONDO:0013150.

Submission:

Labcorp Genetics (formerly Invitae), Labcorp
Classification: Uncertain significance for Parkinsonism-dystonia, infantile. Last evaluated: 2022-04-09. Review status: criteria provided, single submitter. Criteria: Invitae Variant Classification Sherloc (09022015). Collection method: clinical testing. Allele origin: germline.
Comment: This variant has not been reported in the literature in individuals affected with SLC6A3-related conditions. Algorithms developed to predict the effect of missense changes on protein structure and function are either unavailable or do not agree on the potential impact of this missense change (SIFT: "Deleterious"; PolyPhen-2: "Benign"; Align-GVGD: "Class C0"). Algorithms developed to predict the effect of sequence changes on RNA splicing suggest that this variant may create or strengthen a splice site. In summary, the available evidence is currently insufficient to determine the role of this variant in disease. Therefore, it has been classified as a Variant of Uncertain Significance. This variant is not present in population databases (gnomAD no frequency). This sequence change replaces proline, which is neutral and non-polar, with glutamine, which is neutral and polar, at codon 17 of the SLC6A3 protein (p.Pro17Gln).

NM_001044.5(SLC6A3):c.50C>A (p.Pro17Gln)

Gene: SLC6A3 (solute carrier family 6 member 3). Cytogenetic location: 5p15.33.
Variant type: single nucleotide variant.
Coding change: c.50C>A on transcript NM_001044.5 (MANE Select); coding-DNA position 50, C replaced by A.
Protein change: p.Pro17Gln; replaces proline 17 with glutamine.
Molecular consequence: missense variant.
Genome position (GRCh38, 1-based): chr5:1,443,148, G>T on the plus strand (C>A on the coding strand, the complement: SLC6A3 is on the minus strand). VCF-style: chr5-1443148-G-T. GRCh37 (hg19) VCF-style: chr5-1443263-G-T.
Other names: short protein forms P17Q.
Identifiers: ClinVar variation 1905407 (VCV001905407.5), dbSNP rs369923764, ClinGen allele CA359065407.
Genomic context (GRCh38, chr5:1,443,148, plus strand): 5'-TGCTCCTTGACAAGGATGAGCTCCACCTCCTTCGGGCCCACGGCATTGGGCTCCTTAGCC[G>T]GGGCCACCACGGAAGACATGAGTCCCACGGAGCATTTGCTCTTACTCATGGGCACACTGG-3'
Protein context (NP_001035.1, residues 7-27): SVGLMSSVVA[Pro17Gln]AKEPNAVGPK